The following is an entry in ClinVar:

ClinVar aggregate classification (germline): Benign (1 of 4 stars; one submission).

Allele frequency attached by ClinVar (database versions not stated): TOPMed 0.00014; gnomAD 0.00022; 1000 Genomes Project 30x 0.00078; 1000 Genomes Project 0.00100; gnomAD exomes 0.00166; ExAC 0.00315.
gnomAD v4.1: 343 of 343,672 alleles (0.1%); highest among the groups gnomAD compares: South Asian, 0.82%; 3 homozygotes.

Submission:

CeGaT Center for Human Genetics Tuebingen
Classification: Benign. Last evaluated: 2022-05-01. Review status: criteria provided, single submitter. Criteria: CeGaT Center For Human Genetics Tuebingen Variant Classification Criteria Version 2. Collection method: clinical testing. Allele origin: germline. Affected: yes. Observed: 1 variant allele.
Comment: KCNQ5: BS1, BS2

NM_019842.4(KCNQ5):c.616+1157A>G

Gene: KCNQ5 (potassium voltage-gated channel subfamily Q member 5; plus strand). Cytogenetic location: 6q13.
Variant type: single nucleotide variant.
Coding change: c.616+1157A>G on transcript NM_019842.4 (MANE Select); 1157 bases into the intron after coding-DNA position 616, A replaced by G.
Molecular consequence: intron variant.
Genome position (GRCh38, 1-based): chr6:73,043,219, A>G. VCF-style: chr6-73043219-A-G. GRCh37 (hg19) VCF-style: chr6-73752942-A-G.
Other names: c.616+1157A>G (NM_001160132.2, NM_001160130.2, NM_001160133.2 and 1 more transcripts).
Identifiers: ClinVar variation 2656698 (VCV002656698.24), dbSNP rs554780630, ClinGen allele CA3886813.